The following is an entry in ClinVar:

ClinVar aggregate classification (germline): Uncertain significance. Review status: criteria provided, multiple submitters, no conflicts (2 of 4 stars). 2 submissions from 2 submitters: Uncertain significance (2). Last evaluated 2022-07-16.

Conditions:
Type II complement component 8 deficiency. Also called: C8 BETA DEFICIENCY; C8B DEFICIENCY; COMPLEMENT COMPONENT 8B DEFICIENCY; COMPLEMENT C8 DEFICIENCY, TYPE II. Identifiers: MedGen C3151080, MONDO:0013421, OMIM 613789.

Allele frequency attached by ClinVar (database versions not stated): ESP Exome Variant Server 0.00015; gnomAD exomes 0.00015 and 0.00035; ExAC 0.00018; 1000 Genomes Project 0.00020; TOPMed 0.00021; gnomAD 0.00025; 1000 Genomes Project 30x 0.00031.
gnomAD v4.1: 526 of 1,614,088 alleles (0.033%); highest among the groups gnomAD compares: Non-Finnish European, 0.042%; no homozygotes.

Submissions (2):

Labcorp Genetics (formerly Invitae), Labcorp
Classification: Uncertain significance. Last evaluated: 2022-07-16. Review status: criteria provided, single submitter. Criteria: Invitae Variant Classification Sherloc (09022015). Collection method: clinical testing. Allele origin: germline.
Comment: This sequence change replaces serine, which is neutral and polar, with cysteine, which is neutral and slightly polar, at codon 71 of the C8B protein (p.Ser71Cys). This variant is present in population databases (rs148570619, gnomAD 0.03%). This variant has not been reported in the literature in individuals affected with C8B-related conditions. ClinVar contains an entry for this variant (Variation ID: 1445328). Algorithms developed to predict the effect of missense changes on protein structure and function are either unavailable or do not agree on the potential impact of this missense change (SIFT: "Deleterious"; PolyPhen-2: "Probably Damaging"; Align-GVGD: "Class C0"). In summary, the available evidence is currently insufficient to determine the role of this variant in disease. Therefore, it has been classified as a Variant of Uncertain Significance.

Center for Genomics, Ann and Robert H. Lurie Children's Hospital of Chicago
Classification: Uncertain significance for Type II complement component 8 deficiency. Last evaluated: 2022-04-27. Review status: criteria provided, single submitter. Criteria: ACMG Guidelines, 2015. Collection method: clinical testing. Allele origin: germline.
Comment: This variant has not been reported in the literature but is present in the Genome Aggregation Database (Highest reported MAF 0.04% (28/68028). Evolutionary conservation suggests that this variant may impact the protein; computational predictive tools for this variant are unclear. In summary, data on this variant is insufficient for disease classification. Therefore, the clinical significance of this variant is uncertain.

NM_000066.4(C8B):c.212C>G (p.Ser71Cys)

Gene: C8B (complement C8 beta chain; minus strand). Cytogenetic location: 1p32.2.
Variant type: single nucleotide variant.
Coding change: c.212C>G on transcript NM_000066.4 (MANE Select); coding-DNA position 212, C replaced by G.
Protein change: p.Ser71Cys; replaces serine 71 with cysteine.
Molecular consequence: missense variant. On other transcripts: 5 prime UTR variant (1).
Genome position (GRCh38, 1-based): chr1:56,960,057, G>C on the plus strand (C>G on the coding strand, the complement: C8B is on the minus strand). VCF-style: chr1-56960057-G-C. GRCh37 (hg19) VCF-style: chr1-57425730-G-C.
Other names: c.56C>G, p.Ser19Cys (NM_001278543.2); c.-104C>G (NM_001278544.2); short protein forms S71C, S19C.
Identifiers: ClinVar variation 1445328 (VCV001445328.5), dbSNP rs148570619, ClinGen allele CA876076.
Genomic context (GRCh38, chr1:56,960,057, plus strand): 5'-CTGTCCCAGGCCTGGTTGCTTACCCTTTTCTTCTGACAGGGGTCACATGTGGTCCAAGAG[G>C]ACCAACTAGACAGCTCACAATCAATGGGCATCAGGGTAACATCCACACTCCGCATCTGTC-3'
Protein context (NP_000057.3, residues 61-81): MPIDCELSSW[Ser71Cys]SWTTCDPCQK